The following is an entry in ClinVar:

NM_194248.3(OTOF):c.4147A>G (p.Lys1383Glu)

Gene: OTOF (otoferlin; minus strand). Cytogenetic location: 2p23.3.
Variant type: single nucleotide variant.
Coding change: c.4147A>G on transcript NM_194248.3 (MANE Select); coding-DNA position 4147, A replaced by G.
Protein change: p.Lys1383Glu; replaces lysine 1383 with glutamic acid.
Molecular consequence: missense variant.
Genome position (GRCh38, 1-based): chr2:26,467,445, T>C on the plus strand (A>G on the coding strand, the complement: OTOF is on the minus strand). VCF-style: chr2-26467445-T-C. GRCh37 (hg19) VCF-style: chr2-26690313-T-C.
Other names: c.4147A>G, p.Lys1383Glu (NM_001287489.2); c.1846A>G, p.Lys616Glu (NM_004802.4, NM_194323.3); c.2077A>G, p.Lys693Glu (NM_194322.3); short protein forms K1383E, K616E, K693E.
Identifiers: ClinVar variation 4874526 (VCV004874526.2).
Genomic context (GRCh38, chr2:26,467,445, plus strand): 5'-GTTTCTTCTTCTCGGGGGCCTCGGACCCCTGGCCAGAGCCAGAGCTCTGAGTTTTCTTCT[T>C]CTTCTCCTCTTTGGCAGCCCTTGCCTTCTCCTTGCCCTTCATTGACCCCTTCAGGCCTGG-3'
Protein context (NP_919224.1, residues 1373-1393): EKARAAKEEK[Lys1383Glu]KKTQSSGSGQ

ClinVar aggregate classification (germline): Uncertain significance (1 of 4 stars; one submission).

gnomAD v4.1: 5 of 1,614,086 alleles (0.00031%); highest among the groups gnomAD compares: Admixed American, 0.0083%; no homozygotes.

Submission:

CeGaT Center for Human Genetics Tuebingen
Classification: Uncertain significance. Last evaluated: 2026-04-01. Review status: criteria provided, single submitter. Criteria: CeGaT Center For Human Genetics Tuebingen Variant Classification Criteria Version 2. Collection method: clinical testing. Allele origin: germline. Affected: yes. Observed: 1 variant allele.
Comment: OTOF: PM2, BP4